The following is an entry in ClinVar:

ClinVar aggregate classification (germline): Benign/Likely benign. Review status: criteria provided, multiple submitters, no conflicts (2 of 4 stars). 13 submissions from 13 submitters: Benign (9); Likely benign (2). 2 of the submissions do not count toward it. Last evaluated 2026-09-01.

Conditions:
Inborn genetic diseases. Identifiers: MedGen C0950123, MeSH D030342.
Smith-Magenis syndrome (SMS). Also called: CHROMOSOME 17p11.2 DELETION SYNDROME. Identifiers: Orphanet 819, MedGen C0795864, MONDO:0008434, OMIM 182290.

Allele frequency attached by ClinVar (database versions not stated): gnomAD 0.00400 and 0.00401; gnomAD exomes 0.00445 and 0.00382; 1000 Genomes Project 0.00300; ExAC 0.00363; 1000 Genomes Project 30x 0.00297; ESP Exome Variant Server 0.00361; TOPMed 0.00439.
gnomAD v4.1: 7,178 of 1,614,076 alleles (0.44%); highest among the groups gnomAD compares: Admixed American, 0.59%; 30 homozygotes.

Submissions (13):

CeGaT Center for Human Genetics Tuebingen
Classification: Benign. Last evaluated: 2026-09-01. Review status: criteria provided, single submitter. Criteria: CeGaT Center For Human Genetics Tuebingen Variant Classification Criteria Version 2. Collection method: clinical testing. Allele origin: germline. Affected: yes. Observed: 29 variant alleles.
Comment: RAI1: BP4, BS1, BS2

Labcorp Genetics (formerly Invitae), Labcorp
Classification: Benign. Last evaluated: 2026-01-27. Review status: criteria provided, single submitter. Criteria: Invitae Variant Classification Sherloc (09022015). Collection method: clinical testing. Allele origin: germline.

Blueprint Genetics
Classification: Likely benign. Last evaluated: 2024-11-25. Review status: criteria provided, single submitter. Criteria: ACMG Guidelines, 2015. Collection method: clinical testing. Allele origin: germline.

Athena Diagnostics
Classification: Benign. Last evaluated: 2024-03-04. Review status: criteria provided, single submitter. Criteria: Athena Diagnostics Criteria. Collection method: clinical testing. Allele origin: unknown.

Fulgent Genetics
Classification: Likely benign for Smith-Magenis syndrome. Last evaluated: 2021-10-05. Review status: criteria provided, single submitter. Criteria: ACMG Guidelines, 2015. Collection method: clinical testing. Allele origin: unknown.

Ambry Genetics
Classification: Benign for Inborn genetic diseases. Last evaluated: 2016-05-06. Review status: criteria provided, single submitter. Criteria: Ambry Variant Classification Scheme 2023. Collection method: clinical testing. Allele origin: germline.

GeneDx
Classification: Benign. Last evaluated: 2015-12-22. Review status: criteria provided, single submitter. Criteria: GeneDx Variant Classification (06012015). Collection method: clinical testing. Allele origin: germline. Affected: yes.
Comment: This variant is considered likely benign or benign based on one or more of the following criteria: it is a conservative change, it occurs at a poorly conserved position in the protein, it is predicted to be benign by multiple in silico algorithms, and/or has population frequency not consistent with disease.

Genetic Services Laboratory, University of Chicago
Classification: Benign. Last evaluated: 2015-09-30. Review status: criteria provided, single submitter. Criteria: ACMG Guidelines, 2015. Collection method: clinical testing. Allele origin: germline. Affected: no.

Eurofins Ntd Llc (ga)
Classification: Benign. Last evaluated: 2013-09-30. Review status: criteria provided, single submitter. Criteria: EGL Classification Definitions 2015. Collection method: clinical testing. Allele origin: germline. Observed: 5 variant alleles, 5 heterozygotes.

Breakthrough Genomics
Classification: Benign. Review status: criteria provided, single submitter. Criteria: ACMG Guidelines, 2015. Collection method: not provided. Allele origin: germline. Inheritance: Autosomal dominant inheritance. Affected: yes.

PreventionGenetics, part of Exact Sciences
Classification: Benign. Review status: criteria provided, single submitter. Criteria: ACMG Guidelines, 2015. Collection method: clinical testing. Allele origin: germline.

Clinical Genetics DNA and cytogenetics Diagnostics Lab, Erasmus MC, Erasmus Medical Center
Classification: Benign. Review status: no assertion criteria provided. Collection method: clinical testing. Allele origin: germline. Affected: yes. Study: VKGL Data-share Consensus. Not counted in ClinVar's aggregate classification.

Joint Genome Diagnostic Labs from Nijmegen and Maastricht, Radboudumc and MUMC+
Classification: Benign. Review status: no assertion criteria provided. Collection method: clinical testing. Allele origin: germline. Affected: yes. Study: VKGL Data-share Consensus. Not counted in ClinVar's aggregate classification.

NM_030665.4(RAI1):c.1142C>T (p.Ala381Val)

Gene: RAI1 (retinoic acid induced 1; plus strand). Cytogenetic location: 17p11.2.
Variant type: single nucleotide variant.
Coding change: c.1142C>T on transcript NM_030665.4 (MANE Select); coding-DNA position 1142, C replaced by T.
Protein change: p.Ala381Val; replaces alanine 381 with valine.
Molecular consequence: missense variant.
Genome position (GRCh38, 1-based): chr17:17,794,090, C>T. VCF-style: chr17-17794090-C-T. GRCh37 (hg19) VCF-style: chr17-17697404-C-T.
Other names: short protein forms A381V.
Identifiers: ClinVar variation 96177 (VCV000096177.50), dbSNP rs113208290, ClinGen allele CA149323.